The following is an entry in ClinVar:

NM_000388.4(CASR):c.1745G>A (p.Cys582Tyr)

Gene: CASR (calcium sensing receptor; plus strand). Cytogenetic location: 3q21.1.
Variant type: single nucleotide variant.
Coding change: c.1745G>A on transcript NM_000388.4 (MANE Select); coding-DNA position 1745, G replaced by A.
Protein change: p.Cys582Tyr; replaces cysteine 582 with tyrosine.
Molecular consequence: missense variant.
Genome position (GRCh38, 1-based): chr3:122,283,699, G>A. VCF-style: chr3-122283699-G-A. GRCh37 (hg19) VCF-style: chr3-122002546-G-A.
Other names: c.1775G>A, p.Cys592Tyr (NM_001178065.2); short protein forms C582Y, C592Y.
Identifiers: ClinVar variation 8318 (VCV000008318.13), dbSNP rs104893690, ClinGen allele CA119477.

ClinVar aggregate classification (germline): Pathogenic. Review status: criteria provided, multiple submitters, no conflicts (2 of 4 stars). 4 submissions from 4 submitters: Pathogenic (3). 1 of the submissions does not count toward it. Last evaluated 2025-04-29.

Conditions:
Familial hypocalciuric hypercalcemia (FHH). Also called: Familial benign hypercalcemia. Identifiers: Orphanet 405, MedGen C1809471, MONDO:0018458.
Autosomal dominant hypocalcemia 1 (HYPOC1). Also called: HYPOCALCEMIA, FAMILIAL. Identifiers: MedGen C3715128, MONDO:0011013, OMIM 601198.
CASR-related disorder. Also called: CASR-related condition.
Neonatal severe primary hyperparathyroidism. Identifiers: Orphanet 417, MedGen C1832615, MONDO:0009397, OMIM 239200.

Allele frequency attached by ClinVar (database versions not stated): gnomAD exomes below 0.00001.
gnomAD v4.1: 1 of 1,613,976 alleles (0.000062%); highest among the groups gnomAD compares: Non-Finnish European, 0.000085%; no homozygotes.

Submissions (4):

GeneDx
Classification: Pathogenic. Last evaluated: 2025-04-29. Review status: criteria provided, single submitter. Criteria: GeneDx Variant Classification Process June 2021. Collection method: clinical testing. Allele origin: germline. Affected: yes.
Comment: Reported in the published literature in patients with hypocalcemic hypercalcemia and neonatal hyperparathyroidism (PMID: 33748353, 17698911, 18219222); Not observed at significant frequency in large population cohorts (gnomAD); In silico analysis supports that this missense variant has a deleterious effect on protein structure/function; Published functional studies demonstrate a damaging effect preventing protein trafficking (PMID: 19389809); This variant is associated with the following publications: (PMID: 23764372, 18219222, 17698911, 22192860, 8675635, 33748353, 19389809)

Blueprint Genetics
Classification: Pathogenic for CASR-related disorders. Last evaluated: 2023-04-18. Review status: criteria provided, single submitter. Criteria: ACMG Guidelines, 2015. Collection method: clinical testing. Allele origin: germline. Affected: yes. Observed: 1 variant allele.

Labcorp Genetics (formerly Invitae), Labcorp
Classification: Pathogenic for Familial hypocalciuric hypercalcemia; Autosomal dominant hypocalcemia 1. Last evaluated: 2019-11-28. Review status: criteria provided, single submitter. Criteria: Invitae Variant Classification Sherloc (09022015). Collection method: clinical testing. Allele origin: germline.
Comment: This variant disrupts the p.Cys582 amino acid residue in CASR. Other variant(s) that disrupt this residue have been determined to be pathogenic (PMID: 17698911, 23764372). This suggests that this residue is clinically significant, and that variants that disrupt this residue are likely to be disease-causing. This variant has been observed in a family and in individuals affected with familial hypocalciuric hypercalcemia (PMID: 17698911, 22192860, 23764372) and in two individuals affected with early onset hyperparathyroidism (PMID: 18219222, 8675635). ClinVar contains an entry for this variant (Variation ID: 8318). This variant is not present in population databases (rs104893690, ExAC no frequency). This sequence change replaces cysteine with tyrosine at codon 582 of the CASR protein (p.Cys582Tyr). The cysteine residue is highly conserved and there is a large physicochemical difference between cysteine and tyrosine. Advanced modeling of protein sequence and biophysical properties (such as structural, functional, and spatial information, amino acid conservation, physicochemical variation, residue mobility, and thermodynamic stability) performed at Invitae indicates that this missense variant is expected to disrupt CASR protein function. For these reasons, this variant has been classified as Pathogenic.

OMIM
Classification: Pathogenic for HYPERPARATHYROIDISM, NEONATAL SEVERE. Last evaluated: 1995-12-01. Review status: no assertion criteria provided. Collection method: literature only. Allele origin: germline. Not counted in ClinVar's aggregate classification.

Literature cited by the submitters: PubMed 17698911 (cited by Labcorp Genetics (formerly Invitae), Labcorp); PubMed 23764372 (cited by Labcorp Genetics (formerly Invitae), Labcorp); PubMed 22192860 (cited by Labcorp Genetics (formerly Invitae), Labcorp); PubMed 18219222 (cited by Labcorp Genetics (formerly Invitae), Labcorp); PubMed 8675635 (cited by Labcorp Genetics (formerly Invitae), Labcorp and OMIM).